The following is an entry in ClinVar:

NM_000081.4(LYST):c.9919C>T (p.Arg3307Cys)

Gene: LYST (lysosomal trafficking regulator; minus strand). Cytogenetic location: 1q42.3.
Variant type: single nucleotide variant.
Coding change: c.9919C>T on transcript NM_000081.4 (MANE Select); coding-DNA position 9919, C replaced by T.
Protein change: p.Arg3307Cys; replaces arginine 3307 with cysteine.
Molecular consequence: missense variant.
Genome position (GRCh38, 1-based): chr1:235,712,063, G>A on the plus strand (C>T on the coding strand, the complement: LYST is on the minus strand). VCF-style: chr1-235712063-G-A. GRCh37 (hg19) VCF-style: chr1-235875363-G-A.
Other names: c.9919C>T (NM_000081.2); c.9919C>T, p.Arg3307Cys (NM_001301365.1); short protein forms R3307C.
Identifiers: ClinVar variation 647904 (VCV000647904.3), dbSNP rs886088528, ClinGen allele CA39596978.

ClinVar aggregate classification (germline): Uncertain significance. Review status: criteria provided, multiple submitters, no conflicts (2 of 4 stars). 2 submissions from 2 submitters: Uncertain significance (2). Last evaluated 2022-08-05.

Conditions:
Chédiak-Higashi syndrome (CHS). Also called: Chediak-Higashi Syndrome. Identifiers: Orphanet 167, MedGen C0007965, MONDO:0008963, OMIM 214500.
Inborn genetic diseases. Identifiers: MedGen C0950123, MeSH D030342.

Allele frequency attached by ClinVar (database versions not stated): gnomAD exomes 0.00001; TOPMed 0.00003; gnomAD 0.00005.
gnomAD v4.1: 17 of 1,537,208 alleles (0.0011%); highest among the groups gnomAD compares: African/African-American, 0.011%; no homozygotes.

Submissions (2):

Ambry Genetics
Classification: Uncertain significance for Inborn genetic diseases. Last evaluated: 2022-08-05. Review status: criteria provided, single submitter. Criteria: Ambry Variant Classification Scheme 2023. Collection method: clinical testing. Allele origin: germline.

Labcorp Genetics (formerly Invitae), Labcorp
Classification: Uncertain significance for Chédiak-Higashi syndrome. Last evaluated: 2021-08-31. Review status: criteria provided, single submitter. Criteria: Invitae Variant Classification Sherloc (09022015). Collection method: clinical testing. Allele origin: germline.
Comment: This sequence change replaces arginine with cysteine at codon 3307 of the LYST protein (p.Arg3307Cys). The arginine residue is moderately conserved and there is a large physicochemical difference between arginine and cysteine. This variant is not present in population databases (ExAC no frequency). This variant has not been reported in the literature in individuals affected with LYST-related conditions. Algorithms developed to predict the effect of missense changes on protein structure and function are either unavailable or do not agree on the potential impact of this missense change (SIFT: "Tolerated"; PolyPhen-2: "Probably Damaging"; Align-GVGD: "Class C0"). In summary, the available evidence is currently insufficient to determine the role of this variant in disease. Therefore, it has been classified as a Variant of Uncertain Significance.